The following is an entry in ClinVar:

ClinVar aggregate classification (germline): Pathogenic (1 of 4 stars; one submission).

Conditions:
Cerebral cavernous malformation (CCM). Also called: CAVERNOUS ANGIOMA, FAMILIAL; CAVERNOUS ANGIOMATOUS MALFORMATIONS; CEREBRAL CAPILLARY MALFORMATIONS; Cerebral cavernous malformations; Cerebral cavernous hemangioma (type); Cavernous Hemangioma of Brain. Identifiers: Orphanet 221061, MedGen C2919945, MONDO:0000820, OMIM 116860, HP:0033522.

Submission:

Labcorp Genetics (formerly Invitae), Labcorp
Classification: Pathogenic for Cerebral cavernous malformation. Last evaluated: 2022-06-16. Review status: criteria provided, single submitter. Criteria: Invitae Variant Classification Sherloc (09022015). Collection method: clinical testing. Allele origin: germline.
Comment: This sequence change creates a premature translational stop signal (p.Gln136*) in the KRIT1 gene. It is expected to result in an absent or disrupted protein product. Loss-of-function variants in KRIT1 are known to be pathogenic (PMID: 10508515, 11222804, 12404106, 24689081). For these reasons, this variant has been classified as Pathogenic. Algorithms developed to predict the effect of sequence changes on RNA splicing suggest that this variant may disrupt the consensus splice site. This premature translational stop signal has been observed in individual(s) with cerebral cavernous malformations (PMID: 24689081). This variant is not present in population databases (gnomAD no frequency).

Literature cited by the submitters: PubMed 10508515; PubMed 11222804; PubMed 12404106; PubMed 24689081.

NM_194454.3(KRIT1):c.406C>T (p.Gln136Ter)

Gene: KRIT1 (KRIT1 ankyrin repeat containing; minus strand). Cytogenetic location: 7q21.2.
Variant type: single nucleotide variant.
Coding change: c.406C>T on transcript NM_194454.3 (MANE Select); coding-DNA position 406, C replaced by T.
Protein change: p.Gln136Ter; replaces glutamine 136 with a stop codon.
Molecular consequence: nonsense. On other transcripts: 5 prime UTR variant (1).
Genome position (GRCh38, 1-based): chr7:92,236,492, G>A on the plus strand (C>T on the coding strand, the complement: KRIT1 is on the minus strand). VCF-style: chr7-92236492-G-A. GRCh37 (hg19) VCF-style: chr7-91865806-G-A.
Other names: c.406C>T, p.Gln136Ter (NM_001013406.2, NM_001350669.1, NM_001350670.1 and 29 more transcripts); c.-178C>T (NM_001350671.1); short protein forms Q136*.
Identifiers: ClinVar variation 2136553 (VCV002136553.4), dbSNP rs2536042735, ClinGen allele CA368162458.